The following is an entry in ClinVar:

NM_003628.6(PKP4):c.1627T>G (p.Ser543Ala)

Gene: PKP4 (plakophilin 4; plus strand). Cytogenetic location: 2q24.1.
Variant type: single nucleotide variant.
Coding change: c.1627T>G on transcript NM_003628.6 (MANE Select); coding-DNA position 1627, T replaced by G.
Protein change: p.Ser543Ala; replaces serine 543 with alanine.
Molecular consequence: missense variant.
Genome position (GRCh38, 1-based): chr2:158,640,691, T>G. VCF-style: chr2-158640691-T-G. GRCh37 (hg19) VCF-style: chr2-159497203-T-G.
Other names: c.1624T>G, p.Ser542Ala (NM_001377221.1, NM_001377226.1, NM_001304969.3 and 2 more transcripts); c.1621T>G, p.Ser541Ala (NM_001377222.1, NM_001377223.1); c.1618T>G, p.Ser540Ala (NM_001377224.1); c.1627T>G, p.Ser543Ala (NM_001377225.1, NM_001005476.4, NM_001304971.2 and 1 more transcripts); c.598T>G, p.Ser200Ala (NM_001304970.3); short protein forms S540A, S541A, S543A, S200A, S542A.
Identifiers: ClinVar variation 4844316 (VCV004844316.1).
Genomic context (GRCh38, chr2:158,640,691, plus strand): 5'-TTTGCCTGGCGTGATCCTGAGTTGCCTGAGGTCATTCACATGCTTCAGCACCAGTTCCCA[T>G]CTGTTCAGGCAAATGCAGCGGCCTACCTGCAGCACCTGTGCTTTGGTGACAACAAAGTGA-3'
Protein context (NP_003619.2, residues 533-553): VIHMLQHQFP[Ser543Ala]VQANAAAYLQ

ClinVar aggregate classification (germline): Uncertain significance (1 of 4 stars; one submission).

Submission:

Ambry Genetics
Classification: Uncertain significance. Last evaluated: 2026-02-13. Review status: criteria provided, single submitter. Criteria: Ambry Variant Classification Scheme 2023. Collection method: clinical testing. Allele origin: germline.
Comment: The p.S543A variant (also known as c.1627T>G), located in coding exon 9 of the PKP4 gene, results from a T to G substitution at nucleotide position 1627. The serine at codon 543 is replaced by alanine, an amino acid with similar properties. This amino acid position is conserved. In addition, this alteration is predicted to be tolerated by in silico analysis. Based on the available evidence, the clinical significance of this variant remains unclear.